The following is an entry in ClinVar:

NM_001199397.3(NEK1):c.1140+3A>C

Gene: NEK1 (NIMA related kinase 1; minus strand). Cytogenetic location: 4q33.
Variant type: single nucleotide variant.
Coding change: c.1140+3A>C on transcript NM_001199397.3 (MANE Select); 3 bases into the intron after coding-DNA position 1140, A replaced by C.
Molecular consequence: intron variant.
Genome position (GRCh38, 1-based): chr4:169,561,829, T>G on the plus strand (A>C on the coding strand, the complement: NEK1 is on the minus strand). VCF-style: chr4-169561829-T-G. GRCh37 (hg19) VCF-style: chr4-170482980-T-G.
Other names: c.1140+3A>C (NM_001374421.1, NM_001374420.1, NM_001199399.3 and 7 more transcripts).
Identifiers: ClinVar variation 2734685 (VCV002734685.3), dbSNP rs1211261692, ClinGen allele CA556027105.

ClinVar aggregate classification (germline): Uncertain significance (1 of 4 stars; one submission).

Conditions:
Short-rib thoracic dysplasia 6 with or without polydactyly (SRTD6). Also called: Majewski Syndrome; SHORT RIB-POLYDACTYLY SYNDROME, TYPE IIA; POLYDACTYLY WITH NEONATAL CHONDRODYSTROPHY, TYPE II; SHORT-RIB THORACIC DYSPLASIA 6 WITH POLYDACTYLY; SHORT-RIB THORACIC DYSPLASIA 6 WITHOUT POLYDACTYLY. Identifiers: MedGen C0024507, MONDO:0009894, OMIM 263520.

Allele frequency attached by ClinVar (database versions not stated): TOPMed below 0.00001; gnomAD 0.00001.
gnomAD v4.1: 3 of 1,609,926 alleles (0.00019%); highest among the groups gnomAD compares: Non-Finnish European, 0.00025%; no homozygotes.

Submission:

Labcorp Genetics (formerly Invitae), Labcorp
Classification: Uncertain significance for Short-rib thoracic dysplasia 6 with or without polydactyly. Last evaluated: 2024-05-14. Review status: criteria provided, single submitter. Criteria: Invitae Variant Classification Sherloc (09022015). Collection method: clinical testing. Allele origin: germline.
Comment: This sequence change falls in intron 13 of the NEK1 gene. It does not directly change the encoded amino acid sequence of the NEK1 protein. It affects a nucleotide within the consensus splice site. This variant is present in population databases (no rsID available, gnomAD 0.007%). This variant has been observed in individual(s) with amyotrophic lateral sclerosis (PMID: 27455347). Variants that disrupt the consensus splice site are a relatively common cause of aberrant splicing (PMID: 17576681, 9536098). Algorithms developed to predict the effect of sequence changes on RNA splicing suggest that this variant may disrupt the consensus splice site. In summary, the available evidence is currently insufficient to determine the role of this variant in disease. Therefore, it has been classified as a Variant of Uncertain Significance.

Literature cited by the submitters: PubMed 27455347; PubMed 17576681; PubMed 9536098.